The following is an entry in ClinVar:

NM_001370466.1(NOD2):c.119C>G (p.Ser40Cys)

Gene: NOD2 (nucleotide binding oligomerization domain containing 2; plus strand). Cytogenetic location: 16q12.1.
Variant type: single nucleotide variant.
Coding change: c.119C>G on transcript NM_001370466.1 (MANE Select); coding-DNA position 119, C replaced by G.
Protein change: p.Ser40Cys; replaces serine 40 with cysteine.
Molecular consequence: missense variant. On other transcripts: non-coding transcript variant (1).
Genome position (GRCh38, 1-based): chr16:50,699,614, C>G. VCF-style: chr16-50699614-C-G. GRCh37 (hg19) VCF-style: chr16-50733525-C-G.
Other names: c.119C>G, p.Ser40Cys (NM_001293557.2); c.200C>G, p.Ser67Cys (NM_022162.3); c.200C>G (NM_022162.1); short protein forms S40C, S67C.
Identifiers: ClinVar variation 663514 (VCV000663514.8), dbSNP rs146149433, ClinGen allele CA8051219.

ClinVar aggregate classification (germline): Uncertain significance. Review status: criteria provided, multiple submitters, no conflicts (2 of 4 stars). 2 submissions from 2 submitters: Uncertain significance (2). Last evaluated 2025-10-22.

Conditions:
Inborn genetic diseases. Identifiers: MedGen C0950123, MeSH D030342.
Blau syndrome (BLAUS). Also called: ARTHROCUTANEOUVEAL GRANULOMATOSIS; GRANULOMATOSIS, FAMILIAL JUVENILE SYSTEMIC; GRANULOMATOSIS, FAMILIAL, BLAU TYPE; GRANULOMATOUS INFLAMMATORY ARTHRITIS, DERMATITIS, AND UVEITIS, FAMILIAL; JABS SYNDROME. Identifiers: Orphanet 90340, MedGen C5201146, MONDO:0008523, OMIM 186580.
Regional enteritis. Also called: Enteritis, Granulomatous. Identifiers: MedGen C0678202, MeSH D003424.

Allele frequency attached by ClinVar (database versions not stated): ExAC 0.00001; gnomAD exomes 0.00001; gnomAD 0.00002 and 0.00003; TOPMed 0.00003; ESP Exome Variant Server 0.00008.
gnomAD v4.1: 17 of 1,613,966 alleles (0.0011%); highest among the groups gnomAD compares: Non-Finnish European, 0.0014%; no homozygotes.

Submissions (2):

Ambry Genetics
Classification: Uncertain significance for Inborn genetic diseases. Last evaluated: 2025-10-22. Review status: criteria provided, single submitter. Criteria: Ambry Variant Classification Scheme 2023. Collection method: clinical testing. Allele origin: germline.

Labcorp Genetics (formerly Invitae), Labcorp
Classification: Uncertain significance for Regional enteritis; Blau syndrome. Last evaluated: 2024-10-22. Review status: criteria provided, single submitter. Criteria: Invitae Variant Classification Sherloc (09022015). Collection method: clinical testing. Allele origin: germline.
Comment: This sequence change replaces serine, which is neutral and polar, with cysteine, which is neutral and slightly polar, at codon 67 of the NOD2 protein (p.Ser67Cys). This variant is present in population databases (rs146149433, gnomAD 0.004%). This variant has not been reported in the literature in individuals affected with NOD2-related conditions. ClinVar contains an entry for this variant (Variation ID: 663514). Invitae Evidence Modeling of protein sequence and biophysical properties (such as structural, functional, and spatial information, amino acid conservation, physicochemical variation, residue mobility, and thermodynamic stability) indicates that this missense variant is not expected to disrupt NOD2 protein function with a negative predictive value of 95%. In summary, the available evidence is currently insufficient to determine the role of this variant in disease. Therefore, it has been classified as a Variant of Uncertain Significance.